The following is an entry in ClinVar:

ClinVar aggregate classification (germline): Pathogenic (1 of 4 stars; one submission).

Conditions:
Intellectual developmental disorder, X-linked 21. Also called: MENTAL RETARDATION, X-LINKED 34; Mental retardation, X-linked 21/34; Intellectual disability, X-linked 21. Identifiers: Orphanet 777, MedGen C5551510, MONDO:0010256, OMIM 300143.

Submission:

Victorian Clinical Genetics Services, Murdoch Childrens Research Institute
Classification: Pathogenic for Intellectual developmental disorder, X-linked 21. Last evaluated: 2025-09-09. Review status: criteria provided, single submitter. Criteria: ACMG Guidelines, 2015. Collection method: clinical testing. Allele origin: germline. Affected: yes.
Comment: This variant is classified as Pathogenic. Evidence in support of pathogenic classification: Variant is predicted to cause nonsense-mediated decay (NMD) and loss of protein (premature termination codon is located at least 54 nucleotides upstream of the final exon-exon junction); Variant is absent from gnomAD (v2, v3 and v4); Other NMD-predicted variant(s) comparable to the one identified in this case have very strong previous evidence for pathogenicity (DECIPHER). Additional information: This variant is hemizygous; This gene is associated with X-linked recessive disease; This variant has no previous evidence of pathogenicity; No published segregation evidence has been identified for this variant; No published functional evidence has been identified for this variant; Loss of function is a known mechanism of disease in this gene and is associated with X-linked intellectual developmental disorder 21 (MIM#300143).

NM_014271.4(IL1RAPL1):c.1027C>T (p.Arg343Ter)

Gene: IL1RAPL1 (interleukin 1 receptor accessory protein like 1; plus strand). Cytogenetic location: Xp21.2.
Variant type: single nucleotide variant.
Coding change: c.1027C>T on transcript NM_014271.4 (MANE Select); coding-DNA position 1027, C replaced by T.
Protein change: p.Arg343Ter; replaces arginine 343 with a stop codon.
Molecular consequence: nonsense.
Genome position (GRCh38, 1-based): chrX:29,920,064, C>T. VCF-style: chrX-29920064-C-T. GRCh37 (hg19) VCF-style: chrX-29938181-C-T.
Other names: short protein forms R343*.
Identifiers: ClinVar variation 4532187 (VCV004532187.1).